The following is an entry in ClinVar:

NM_000062.3(SERPING1):c.1459A>T (p.Lys487Ter)

Gene: SERPING1 (serpin family G member 1; plus strand). Cytogenetic location: 11q12.1.
Variant type: single nucleotide variant.
Coding change: c.1459A>T on transcript NM_000062.3 (MANE Select); coding-DNA position 1459, A replaced by T.
Protein change: p.Lys487Ter; replaces lysine 487 with a stop codon.
Molecular consequence: nonsense.
Genome position (GRCh38, 1-based): chr11:57,614,537, A>T. VCF-style: chr11-57614537-A-T. GRCh37 (hg19) VCF-style: chr11-57382010-A-T.
Other names: c.1459A>T, p.Lys487Ter (NM_001032295.2); short protein forms K487*.
Identifiers: ClinVar variation 4709836 (VCV004709836.1).

ClinVar aggregate classification (germline): Pathogenic (1 of 4 stars; one submission).

Submission:

Labcorp Genetics (formerly Invitae), Labcorp
Classification: Pathogenic. Last evaluated: 2025-09-15. Review status: criteria provided, single submitter. Criteria: Invitae Variant Classification Sherloc (09022015). Collection method: clinical testing. Allele origin: germline.
Comment: This sequence change creates a premature translational stop signal (p.Lys487*) in the SERPING1 gene. While this is not anticipated to result in nonsense mediated decay, it is expected to disrupt the last 14 amino acid(s) of the SERPING1 protein. This variant is not present in population databases (gnomAD no frequency). This premature translational stop signal has been observed in individual(s) with autosomal dominant hereditary angioedema (PMID: 23123409). This variant is also known as p.Lys465STOP. This variant disrupts a region of the SERPING1 protein in which other variant(s) (p.Arg494*) have been determined to be pathogenic (PMID: 8755917, 30508583, 32065705). This suggests that this is a clinically significant region of the protein, and that variants that disrupt it are likely to be disease-causing. For these reasons, this variant has been classified as Pathogenic.

Literature cited by the submitters: PubMed 23123409; PubMed 8755917; PubMed 30508583; PubMed 32065705.